The following is an entry in ClinVar:

ClinVar aggregate classification (germline): Uncertain significance (1 of 4 stars; one submission).

Conditions:
Atrioventricular septal defect 4 (AVSD4). Identifiers: MedGen C3280781, MONDO:0013747, OMIM 614430.

Allele frequency attached by ClinVar (database versions not stated): gnomAD exomes below 0.00001.
gnomAD v4.1: 1 of 1,614,202 alleles (0.000062%); highest among the groups gnomAD compares: Middle Eastern, 0.016%; no homozygotes.

Submission:

Labcorp Genetics (formerly Invitae), Labcorp
Classification: Uncertain significance for Atrioventricular septal defect 4. Last evaluated: 2023-03-16. Review status: criteria provided, single submitter. Criteria: Invitae Variant Classification Sherloc (09022015). Collection method: clinical testing. Allele origin: germline.
Comment: This variant has not been reported in the literature in individuals affected with GATA4-related conditions. Advanced modeling of protein sequence and biophysical properties (such as structural, functional, and spatial information, amino acid conservation, physicochemical variation, residue mobility, and thermodynamic stability) has been performed at Invitae for this missense variant, however the output from this modeling did not meet the statistical confidence thresholds required to predict the impact of this variant on GATA4 protein function. Algorithms developed to predict the effect of sequence changes on RNA splicing suggest that this variant may create or strengthen a splice site. In summary, the available evidence is currently insufficient to determine the role of this variant in disease. Therefore, it has been classified as a Variant of Uncertain Significance. This variant is not present in population databases (gnomAD no frequency). This sequence change replaces aspartic acid, which is acidic and polar, with valine, which is neutral and non-polar, at codon 209 of the GATA4 protein (p.Asp209Val).

NM_001308093.3(GATA4):c.629A>T (p.Asp210Val)

Gene: GATA4 (GATA binding protein 4). Cytogenetic location: 8p23.1.
Variant type: single nucleotide variant.
Coding change: c.629A>T on transcript NM_001308093.3 (MANE Select); coding-DNA position 629, A replaced by T.
Protein change: p.Asp210Val; replaces aspartic acid 210 with valine.
Molecular consequence: missense variant.
Genome position (GRCh38, 1-based): chr8:11,748,928, A>T. VCF-style: chr8-11748928-A-T. GRCh37 (hg19) VCF-style: chr8-11606437-A-T.
Other names: c.8A>T, p.Asp3Val (NM_001308094.2, NM_001374273.1, NM_001374274.1); c.626A>T, p.Asp209Val (NM_002052.5); short protein forms D3V, D210V, D209V.
Identifiers: ClinVar variation 2722426 (VCV002722426.3), dbSNP rs1802160167, ClinGen allele CA370312543.